The following is an entry in ClinVar:

NM_004984.4(KIF5A):c.262A>G (p.Thr88Ala)

Gene: KIF5A (kinesin family member 5A; plus strand). Cytogenetic location: 12q13.3.
Variant type: single nucleotide variant.
Coding change: c.262A>G on transcript NM_004984.4 (MANE Select); coding-DNA position 262, A replaced by G.
Protein change: p.Thr88Ala; replaces threonine 88 with alanine.
Molecular consequence: missense variant. On other transcripts: intron variant (1).
Genome position (GRCh38, 1-based): chr12:57,563,664, A>G. VCF-style: chr12-57563664-A-G. GRCh37 (hg19) VCF-style: chr12-57957447-A-G.
Other names: c.130-796A>G (NM_001354705.2); short protein forms T88A.
Identifiers: ClinVar variation 1707549 (VCV001707549.3), dbSNP rs2540493207, ClinGen allele CA385493489.

ClinVar aggregate classification (germline): Likely pathogenic (1 of 4 stars; one submission).

Conditions:
Peripheral neuropathy. Also called: Neuropathy. Identifiers: MedGen C0031117, MONDO:0005244, HP:0009830.

Submission:

Centre de Génétique Humaine, Institut de Pathologie Et de Génétique
Classification: Likely pathogenic for Peripheral neuropathy. Last evaluated: 2022-07-28. Review status: criteria provided, single submitter. Criteria: ACMG Guidelines, 2015. Collection method: clinical testing. Allele origin: maternal. Inheritance: Autosomal dominant inheritance. Affected: yes. Observed: 1 heterozygote.
Comment: Missense variant implicating a highly conserved nucleotide and amino acid. Absent in GnomAD. Prediction softwares are in favor of a pathogenic effect. KIF5A variant are associated with spastic paraplegia type 10 (OMIM 604187), susceptibility to ALS, neonatal myoclonia. Recently KIF5A missense variants were associated with CMT2 (PMID : 18853458, 21623771, 25008398). ACMG: PP2, PM2, PS1 (Cosegregation with disease in multiple affected family members in a gene definitively known to cause the disease, may be used as stronger evidence with increasing segregation data, tested in 4 affected patients in the family, all are heterozygous carrier of the variant).

Literature cited by the submitters: PubMed 18853458; PubMed 21623771; PubMed 25008398.